The following is an entry in ClinVar:

ClinVar aggregate classification (germline): Uncertain significance (1 of 4 stars; one submission).

Conditions:
Neuronal ceroid lipofuscinosis. Also called: Neuronal Ceroid Lipofuscinoses. Identifiers: Orphanet 216, Orphanet 79263, MedGen C0027877, MONDO:0016295. Disease mechanism: loss of function.

Submission:

Labcorp Genetics (formerly Invitae), Labcorp
Classification: Uncertain significance for Neuronal ceroid lipofuscinosis. Last evaluated: 2023-04-03. Review status: criteria provided, single submitter. Criteria: Invitae Variant Classification Sherloc (09022015). Collection method: clinical testing. Allele origin: germline.
Comment: This sequence change replaces lysine, which is basic and polar, with asparagine, which is neutral and polar, at codon 99 of the CLN6 protein (p.Lys99Asn). This variant also falls at the last nucleotide of exon 3, which is part of the consensus splice site for this exon. This variant is not present in population databases (gnomAD no frequency). This missense change has been observed in individual(s) with neuronal ceroid lipofuscinosis (PMID: 26075876). An algorithm developed to predict the effect of missense changes on protein structure and function (PolyPhen-2) suggests that this variant is likely to be tolerated. Variants that disrupt the consensus splice site are a relatively common cause of aberrant splicing (PMID: 17576681, 9536098). Algorithms developed to predict the effect of sequence changes on RNA splicing suggest that this variant may disrupt the consensus splice site. In summary, the available evidence is currently insufficient to determine the role of this variant in disease. Therefore, it has been classified as a Variant of Uncertain Significance.

Literature cited by the submitters: PubMed 26075876; PubMed 17576681; PubMed 9536098.

NM_017882.3(CLN6):c.297G>C (p.Lys99Asn)

Gene: CLN6 (CLN6 transmembrane ER protein; minus strand). Cytogenetic location: 15q23.
Variant type: single nucleotide variant.
Coding change: c.297G>C on transcript NM_017882.3 (MANE Select); coding-DNA position 297, G replaced by C.
Protein change: p.Lys99Asn; replaces lysine 99 with asparagine.
Molecular consequence: missense variant.
Genome position (GRCh38, 1-based): chr15:68,214,290, C>G on the plus strand (G>C on the coding strand, the complement: CLN6 is on the minus strand). VCF-style: chr15-68214290-C-G. GRCh37 (hg19) VCF-style: chr15-68506628-C-G.
Other names: c.393G>C, p.Lys131Asn (NM_001411068.1); short protein forms K131N, K99N.
Identifiers: ClinVar variation 2850495 (VCV002850495.3), dbSNP rs1275614219, ClinGen allele CA392974309.